The following is an entry in ClinVar:

ClinVar aggregate classification (germline): Benign/Likely benign. Review status: criteria provided, multiple submitters, no conflicts (2 of 4 stars). 6 submissions from 6 submitters: Benign (3); Likely benign (2). 1 of the submissions does not count toward it. Last evaluated 2026-01-29.

Conditions:
LAMA2-related muscular dystrophy (LAMA2-RD). Also called: Laminin alpha 2-related dystrophy. Identifiers: MedGen C5679788, MONDO:0100228.
Merosin deficient congenital muscular dystrophy (MDC1A). Also called: Congenital merosin-deficient muscular dystrophy 1A; Congenital Muscular Dystrophy Type 1A (MDC1A). Identifiers: Orphanet 258, MedGen C1263858, MONDO:0011925, OMIM 607855.
Congenital muscular dystrophy due to partial LAMA2 deficiency. Identifiers: MedGen C1842898.

Allele frequency attached by ClinVar (database versions not stated): gnomAD 0.00005 and 0.00078; TOPMed 0.00017; gnomAD exomes 0.00281; ExAC 0.00325; 1000 Genomes Project 30x 0.00734; 1000 Genomes Project 0.00819.
gnomAD v4.1: 2,059 of 1,613,556 alleles (0.13%); highest among the groups gnomAD compares: South Asian, 2.1%; 46 homozygotes.

Submissions (6):

Labcorp Genetics (formerly Invitae), Labcorp
Classification: Benign for LAMA2-related muscular dystrophy. Last evaluated: 2026-01-29. Review status: criteria provided, single submitter. Criteria: Invitae Variant Classification Sherloc (09022015). Collection method: clinical testing. Allele origin: germline.

CeGaT Center for Human Genetics Tuebingen
Classification: Likely benign. Last evaluated: 2026-01-01. Review status: criteria provided, single submitter. Criteria: CeGaT Center For Human Genetics Tuebingen Variant Classification Criteria Version 2. Collection method: clinical testing. Allele origin: germline. Affected: yes. Observed: 1 variant allele.
Comment: LAMA2: BP4

Illumina Laboratory Services, Illumina
Classification: Likely benign for Congenital muscular dystrophy due to partial LAMA2 deficiency. Last evaluated: 2018-01-13. Review status: criteria provided, single submitter. Criteria: ICSL Variant Classification Criteria 13 December 2019. Collection method: clinical testing. Allele origin: germline.
Comment: This variant was observed in the ICSL laboratory as part of a predisposition screen in an ostensibly healthy population. It had not been previously curated by ICSL or reported in the Human Gene Mutation Database (HGMD: prior to June 1st, 2018), and was therefore a candidate for classification through an automated scoring system. Utilizing variant allele frequency, disease prevalence and penetrance estimates, and inheritance mode, an automated score was calculated to assess if this variant is too frequent to cause the disease. Based on the score and internal cut-off values, a variant classified as likely benign is not then subjected to further curation. The score for this variant resulted in a classification of likely benign for this disease.

GeneDx
Classification: Benign. Last evaluated: 2018-01-11. Review status: criteria provided, single submitter. Criteria: GeneDx Variant Classification (06012015). Collection method: clinical testing. Allele origin: germline. Affected: yes.
Comment: This variant is considered likely benign or benign based on one or more of the following criteria: it is a conservative change, it occurs at a poorly conserved position in the protein, it is predicted to be benign by multiple in silico algorithms, and/or has population frequency not consistent with disease.

Athena Diagnostics
Classification: Benign. Last evaluated: 2016-09-30. Review status: criteria provided, single submitter. Criteria: Athena Diagnostics Criteria. Collection method: clinical testing. Allele origin: germline.

Myelin Disorders Clinic-Children's Medical Center/Medical Genetics Lab-Tarbiat Modares University, Children's Medical Center, Pediatrics Center of Excellence,
Classification: Uncertain significance for Merosin deficient congenital muscular dystrophy. Review status: no assertion criteria provided. Collection method: clinical testing. Allele origin: inherited. Inheritance: Autosomal recessive inheritance. Affected: yes. Not counted in ClinVar's aggregate classification.

NM_000426.4(LAMA2):c.1586G>A (p.Ser529Asn)

Gene: LAMA2 (laminin subunit alpha 2; plus strand). Cytogenetic location: 6q22.33.
Variant type: single nucleotide variant.
Coding change: c.1586G>A on transcript NM_000426.4 (MANE Select); coding-DNA position 1586, G replaced by A.
Protein change: p.Ser529Asn; replaces serine 529 with asparagine.
Molecular consequence: missense variant.
Genome position (GRCh38, 1-based): chr6:129,190,323, G>A. VCF-style: chr6-129190323-G-A. GRCh37 (hg19) VCF-style: chr6-129511468-G-A.
Other names: c.1586G>A, p.Ser529Asn (NM_001079823.2); short protein forms S529N.
Identifiers: ClinVar variation 447681 (VCV000447681.21), dbSNP rs370691060, ClinGen allele CA3992653.
Genomic context (GRCh38, chr6:129,190,323, plus strand): 5'-AGGATAATTGGAAAGGCTGCGATGAGTGTTTCTGTTCAGGGGTTTCAAACAGATGTCAGA[G>A]TTCCTACTGGACCTATGGCAAAGTAAGCAAGCACCATTTGGTTCTGTTTGCTGCCCCAGC-3'
Protein context (NP_000417.3, residues 519-539): FCSGVSNRCQ[Ser529Asn]SYWTYGKIQD